The following is an entry in ClinVar:

ClinVar aggregate classification (germline): Uncertain significance. Review status: criteria provided, multiple submitters, no conflicts (2 of 4 stars). 2 submissions from 2 submitters: Uncertain significance (2). Last evaluated 2024-04-08.

Conditions:
Inborn genetic diseases. Identifiers: MedGen C0950123, MeSH D030342.

Allele frequency attached by ClinVar (database versions not stated): gnomAD 0.00001; ExAC 0.00002; TOPMed 0.00002; gnomAD exomes 0.00004 and 0.00005.
gnomAD v4.1: 76 of 1,613,672 alleles (0.0047%); highest among the groups gnomAD compares: South Asian, 0.011%; no homozygotes.

Submissions (2):

Ambry Genetics
Classification: Uncertain significance for Inborn genetic diseases. Last evaluated: 2024-04-08. Review status: criteria provided, single submitter. Criteria: Ambry Variant Classification Scheme 2023. Collection method: clinical testing. Allele origin: germline.

Labcorp Genetics (formerly Invitae), Labcorp
Classification: Uncertain significance. Last evaluated: 2023-05-08. Review status: criteria provided, single submitter. Criteria: Invitae Variant Classification Sherloc (09022015). Collection method: clinical testing. Allele origin: germline.
Comment: In summary, the available evidence is currently insufficient to determine the role of this variant in disease. Therefore, it has been classified as a Variant of Uncertain Significance. An algorithm developed to predict the effect of missense changes on protein structure and function (PolyPhen-2) suggests that this variant is likely to be disruptive. ClinVar contains an entry for this variant (Variation ID: 1352123). This variant has not been reported in the literature in individuals affected with OBSL1-related conditions. This variant is present in population databases (rs758147867, gnomAD 0.02%). This sequence change replaces arginine, which is basic and polar, with glutamine, which is neutral and polar, at codon 1441 of the OBSL1 protein (p.Arg1441Gln).

NM_015311.3(OBSL1):c.4322G>A (p.Arg1441Gln)

Gene: OBSL1 (obscurin like cytoskeletal adaptor 1; minus strand). Cytogenetic location: 2q35.
Variant type: single nucleotide variant.
Coding change: c.4322G>A on transcript NM_015311.3 (MANE Select); coding-DNA position 4322, G replaced by A.
Protein change: p.Arg1441Gln; replaces arginine 1441 with glutamine.
Molecular consequence: missense variant.
Genome position (GRCh38, 1-based): chr2:219,556,468, C>T on the plus strand (G>A on the coding strand, the complement: OBSL1 is on the minus strand). VCF-style: chr2-219556468-C-T. GRCh37 (hg19) VCF-style: chr2-220421190-C-T.
Other names: c.4322G>A, p.Arg1441Gln (NM_001173431.2); c.4322G>A (NM_015311.2); short protein forms R1441Q.
Identifiers: ClinVar variation 1352123 (VCV001352123.7), dbSNP rs758147867, ClinGen allele CA2130600.